The following is an entry in ClinVar:

NM_017763.6(RNF43):c.2248G>A (p.Asp750Asn)

Gene: RNF43 (ring finger protein 43; minus strand). Cytogenetic location: 17q22.
Variant type: single nucleotide variant.
Coding change: c.2248G>A on transcript NM_017763.6 (MANE Select); coding-DNA position 2248, G replaced by A.
Protein change: p.Asp750Asn; replaces aspartic acid 750 with asparagine.
Molecular consequence: missense variant.
Genome position (GRCh38, 1-based): chr17:58,357,528, C>T on the plus strand (G>A on the coding strand, the complement: RNF43 is on the minus strand). VCF-style: chr17-58357528-C-T. GRCh37 (hg19) VCF-style: chr17-56434889-C-T.
Other names: c.2248G>A, p.Asp750Asn (NM_001305544.3); c.1867G>A, p.Asp623Asn (NM_001305545.2); c.2248G>A (NM_017763.4); short protein forms D623N, D750N.
Identifiers: ClinVar variation 2678392 (VCV002678392.7), dbSNP rs777471441, ClinGen allele CA400385621.

ClinVar aggregate classification (germline): Conflicting classifications of pathogenicity. Review status: criteria provided, conflicting classifications (1 of 4 stars). 3 submissions from 3 submitters: Uncertain significance (2); Likely benign (1). Last evaluated 2025-09-24.

Conditions:
Sessile serrated polyposis cancer syndrome (SSPCS). Identifiers: Orphanet 157798, MedGen C4310714, MONDO:0014919, OMIM 617108.

Allele frequency attached by ClinVar (database versions not stated): TOPMed 0.00001; gnomAD 0.00002.
gnomAD v4.1: 4 of 1,614,120 alleles (0.00025%); highest among the groups gnomAD compares: African/African-American, 0.004%; no homozygotes.

Submissions (3):

Ambry Genetics
Classification: Likely benign. Last evaluated: 2025-09-24. Review status: criteria provided, single submitter. Criteria: Ambry Variant Classification Scheme 2023. Collection method: clinical testing. Allele origin: germline.

Labcorp Genetics (formerly Invitae), Labcorp
Classification: Uncertain significance. Last evaluated: 2025-07-27. Review status: criteria provided, single submitter. Criteria: Invitae Variant Classification Sherloc (09022015). Collection method: clinical testing. Allele origin: germline.
Comment: This sequence change replaces aspartic acid, which is acidic and polar, with asparagine, which is neutral and polar, at codon 750 of the RNF43 protein (p.Asp750Asn). The frequency data for this variant in the population databases is considered unreliable, as metrics indicate poor data quality at this position in the gnomAD database. This variant has not been reported in the literature in individuals affected with RNF43-related conditions. ClinVar contains an entry for this variant (Variation ID: 2678392). An algorithm developed to predict the effect of missense changes on protein structure and function (PolyPhen-2) suggests that this variant is likely to be tolerated. In summary, the available evidence is currently insufficient to determine the role of this variant in disease. Therefore, it has been classified as a Variant of Uncertain Significance.

Baylor Genetics
Classification: Uncertain significance for Sessile serrated polyposis cancer syndrome. Last evaluated: 2024-03-19. Review status: criteria provided, single submitter. Criteria: ACMG Guidelines, 2015. Collection method: clinical testing. Allele origin: unknown.